The following is an entry in ClinVar:

ClinVar aggregate classification (germline): Benign/Likely benign. Review status: criteria provided, multiple submitters, no conflicts (2 of 4 stars). 9 submissions from 9 submitters: Benign (6); Likely benign (2). 1 of the submissions does not count toward it. Last evaluated 2026-02-04.

Conditions:
Retinal dystrophy. Also called: Inherited retinal dystrophy. Identifiers: Orphanet 71862, MedGen C0854723, MeSH D058499, MONDO:0019118, HP:0000556.
Retinitis pigmentosa (RP). Identifiers: Orphanet 791, MedGen C0035334, MeSH D012174, MONDO:0019200, OMIM 268000. Inheritance: Autosomal dominant, autosomal recessive and X linked inheritance.
Retinitis pigmentosa 25 (RP25). Identifiers: Orphanet 791, MedGen C1864446, MONDO:0011272, OMIM 602772.

Allele frequency attached by ClinVar (database versions not stated): 1000 Genomes Project 30x 0.07261; ExAC 0.10291; ESP Exome Variant Server 0.11744; gnomAD exomes 0.12647 and 0.10190; 1000 Genomes Project 0.07268; TOPMed 0.09285; gnomAD 0.10495 and 0.10595.
gnomAD v4.1: 191,705 of 1,551,050 alleles (12%); highest among the groups gnomAD compares: Non-Finnish European, 13%; 12,752 homozygotes.

Submissions (9):

Labcorp Genetics (formerly Invitae), Labcorp
Classification: Benign. Last evaluated: 2026-02-04. Review status: criteria provided, single submitter. Criteria: Invitae Variant Classification Sherloc (09022015). Collection method: clinical testing. Allele origin: germline.

Women's Health and Genetics/Laboratory Corporation of America, LabCorp
Classification: Likely benign. Last evaluated: 2025-12-02. Review status: criteria provided, single submitter. Criteria: LabCorp Variant Classification Summary - May 2015. Collection method: clinical testing. Allele origin: germline.

Blueprint Genetics
Classification: Likely benign. Last evaluated: 2024-11-27. Review status: criteria provided, single submitter. Criteria: ACMG Guidelines, 2015. Collection method: clinical testing. Allele origin: germline.

Dept Of Ophthalmology, Nagoya University
Classification: Benign for Retinal dystrophy. Last evaluated: 2023-10-01. Review status: criteria provided, single submitter. Criteria: Submitter's publication. Collection method: research. Allele origin: germline. Affected: yes.

Genome-Nilou Lab
Classification: Benign for Retinitis pigmentosa 25. Last evaluated: 2021-07-01. Review status: criteria provided, single submitter. Criteria: ACMG Guidelines, 2015. Collection method: clinical testing. Allele origin: germline. Affected: no.

Illumina Laboratory Services, Illumina
Classification: Benign for Retinitis pigmentosa. Last evaluated: 2018-01-13. Review status: criteria provided, single submitter. Criteria: ICSL Variant Classification Criteria 13 December 2019. Collection method: clinical testing. Allele origin: germline.
Comment: This variant was observed in the ICSL laboratory as part of a predisposition screen in an ostensibly healthy population. It had not been previously curated by ICSL or reported in the Human Gene Mutation Database (HGMD: prior to June 1st, 2018), and was therefore a candidate for classification through an automated scoring system. Utilizing variant allele frequency, disease prevalence and penetrance estimates, and inheritance mode, an automated score was calculated to assess if this variant is too frequent to cause the disease. Based on the score and internal cut-off values, a variant classified as benign is not then subjected to further curation. The score for this variant resulted in a classification of benign for this disease.

Eurofins Ntd Llc (ga)
Classification: Benign. Last evaluated: 2013-10-08. Review status: criteria provided, single submitter. Criteria: EGL Classification Definitions 2015. Collection method: clinical testing. Allele origin: germline. Observed: 3 variant alleles, 3 heterozygotes.

GeneDx
Classification: Benign. Last evaluated: 2011-07-20. Review status: criteria provided, single submitter. Criteria: GeneDx Variant Classification (06012015). Collection method: clinical testing. Allele origin: germline.
Comment: The variant is found in ARRP panel(s).

Natera, Inc.
Classification: Benign for Retinitis pigmentosa. Last evaluated: 2020-09-16. Review status: no assertion criteria provided. Collection method: clinical testing. Allele origin: germline. Not counted in ClinVar's aggregate classification.

NM_001142800.2(EYS):c.5244A>C (p.Leu1748Phe)

Gene: EYS (EGF-like photoreceptor maintenance factor; minus strand). Cytogenetic location: 6q12.
Variant type: single nucleotide variant.
Coding change: c.5244A>C on transcript NM_001142800.2 (MANE Select); coding-DNA position 5244, A replaced by C.
Protein change: p.Leu1748Phe; replaces leucine 1748 with phenylalanine.
Molecular consequence: missense variant.
Genome position (GRCh38, 1-based): chr6:64,590,623, T>G on the plus strand (A>C on the coding strand, the complement: EYS is on the minus strand). VCF-style: chr6-64590623-T-G. GRCh37 (hg19) VCF-style: chr6-65300516-T-G.
Other names: p.L1748F:TTA>TTC; c.5244A>C (FM209056.1); c.5244A>C, p.Leu1748Phe (NM_001292009.2); short protein forms L1748F.
Identifiers: ClinVar variation 93616 (VCV000093616.23), dbSNP rs57312007, ClinGen allele CA147156.